The following is an entry in ClinVar:

NM_206933.4(USH2A):c.15144G>C (p.Ala5048=)

Gene: USH2A (usherin; minus strand). Cytogenetic location: 1q41.
Variant type: single nucleotide variant.
Coding change: c.15144G>C on transcript NM_206933.4 (MANE Select); coding-DNA position 15144, G replaced by C.
Protein change: p.Ala5048=; no amino-acid change (alanine 5048 retained).
Molecular consequence: synonymous variant.
Genome position (GRCh38, 1-based): chr1:215,634,612, C>G on the plus strand (G>C on the coding strand, the complement: USH2A is on the minus strand). VCF-style: chr1-215634612-C-G. GRCh37 (hg19) VCF-style: chr1-215807954-C-G.
Identifiers: ClinVar variation 515188 (VCV000515188.12), dbSNP rs397517998, ClinGen allele CA37374150.

ClinVar aggregate classification (germline): Likely benign. Review status: criteria provided, multiple submitters, no conflicts (2 of 4 stars). 4 submissions from 3 submitters: Likely benign (4). Last evaluated 2024-10-29.

Conditions:
Retinitis pigmentosa 39 (RP39). Identifiers: Orphanet 791, MedGen C3151138, MONDO:0013436, OMIM 613809.
Usher syndrome type 2A. Also called: RETINAL DISEASE IN USHER SYNDROME TYPE IIA, MODIFIER OF; USHER SYNDROME, TYPE IIA. Identifiers: Orphanet 231178, Orphanet 886, MedGen C1848634, MONDO:0010169, OMIM 276901.

Allele frequency attached by ClinVar (database versions not stated): TOPMed 0.00003.
gnomAD v4.1: 13 of 1,614,096 alleles (0.00081%); highest among the groups gnomAD compares: Middle Eastern, 0.016%; no homozygotes.

Submissions (4):

Labcorp Genetics (formerly Invitae), Labcorp
Classification: Likely benign. Last evaluated: 2024-10-29. Review status: criteria provided, single submitter. Criteria: Invitae Variant Classification Sherloc (09022015). Collection method: clinical testing. Allele origin: germline.

Genome-Nilou Lab
Classification: Likely benign for Retinitis pigmentosa 39. Last evaluated: 2023-11-04. Review status: criteria provided, single submitter. Criteria: ACMG Guidelines, 2015. Collection method: clinical testing. Allele origin: germline. Affected: no.

Genome-Nilou Lab
Classification: Likely benign for Usher syndrome type 2A. Last evaluated: 2023-11-04. Review status: criteria provided, single submitter. Criteria: ACMG Guidelines, 2015. Collection method: clinical testing. Allele origin: germline. Affected: no.

GeneDx
Classification: Likely benign. Last evaluated: 2018-02-06. Review status: criteria provided, single submitter. Criteria: GeneDx Variant Classification (06012015). Collection method: clinical testing. Allele origin: germline. Affected: yes.
Comment: This variant is considered likely benign or benign based on one or more of the following criteria: it is a conservative change, it occurs at a poorly conserved position in the protein, it is predicted to be benign by multiple in silico algorithms, and/or has population frequency not consistent with disease.